The following is an entry in ClinVar:

ClinVar aggregate classification (germline): Conflicting classifications of pathogenicity. Review status: criteria provided, conflicting classifications (1 of 4 stars). 2 submissions from 2 submitters: Uncertain significance (1); Likely benign (1). Last evaluated 2023-03-23.

Conditions:
Hereditary cancer-predisposing syndrome. Also called: Neoplastic Syndromes, Hereditary; Hereditary neoplastic syndrome; Tumor predisposition; Hereditary Cancer Syndrome. Identifiers: Orphanet 140162, MedGen C0027672, MeSH D009386, MONDO:0015356.

Submissions (2):

University of Washington Department of Laboratory Medicine, University of Washington
Classification: Likely benign for Hereditary cancer-predisposing syndrome. Last evaluated: 2023-03-23. Review status: criteria provided, single submitter. Criteria: Dines et al. (Genet Med. 2020). Collection method: curation. Allele origin: germline.
Comment: Missense variant in a coldspot region where missense variants are very unlikely to be pathogenic (PMID:31911673).

BRCA2 exon 11 coldspot. Reclassification based on statistical prior probability.

Quest Diagnostics Nichols Institute San Juan Capistrano
Classification: Uncertain significance. Last evaluated: 2019-01-23. Review status: criteria provided, single submitter. Criteria: Quest Diagnostics criteria. Collection method: clinical testing. Allele origin: germline.

NM_000059.4(BRCA2):c.3470A>T (p.Glu1157Val)

Gene: BRCA2 (BRCA2 DNA repair associated; plus strand). Cytogenetic location: 13q13.1.
Variant type: single nucleotide variant.
Coding change: c.3470A>T on transcript NM_000059.4 (MANE Select); coding-DNA position 3470, A replaced by T.
Protein change: p.Glu1157Val; replaces glutamic acid 1157 with valine.
Molecular consequence: missense variant.
Genome position (GRCh38, 1-based): chr13:32,337,825, A>T. VCF-style: chr13-32337825-A-T. GRCh37 (hg19) VCF-style: chr13-32911962-A-T.
Other names: short protein forms E1157V.
Identifiers: ClinVar variation 619636 (VCV000619636.5), dbSNP rs1566228642, ClinGen allele CA387776796.